The following is an entry in ClinVar:

NM_001352754.2(ARMC9):c.1490C>T (p.Ala497Val)

Gene: ARMC9 (armadillo repeat containing 9; plus strand). Cytogenetic location: 2q37.1.
Variant type: single nucleotide variant.
Coding change: c.1490C>T on transcript NM_001352754.2 (MANE Select); coding-DNA position 1490, C replaced by T.
Protein change: p.Ala497Val; replaces alanine 497 with valine.
Molecular consequence: missense variant. On other transcripts: non-coding transcript variant (1).
Genome position (GRCh38, 1-based): chr2:231,278,397, C>T. VCF-style: chr2-231278397-C-T. GRCh37 (hg19) VCF-style: chr2-232143110-C-T.
Other names: c.1490C>T, p.Ala497Val (NM_001271466.4, NM_001291656.2, NM_001352755.2 and 3 more transcripts); c.1391C>T, p.Ala464Val (NM_001352757.2, NM_001352758.2); c.1490C>T (NM_025139.5); short protein forms A464V, A497V.
Identifiers: ClinVar variation 789573 (VCV000789573.12), dbSNP rs150092118, ClinGen allele CA2160355.

ClinVar aggregate classification (germline): Benign/Likely benign. Review status: criteria provided, multiple submitters, no conflicts (2 of 4 stars). 4 submissions from 4 submitters: Benign (2); Likely benign (1). 1 of the submissions does not count toward it. Last evaluated 2026-01-24.

Conditions:
ARMC9-related disorder. Also called: ARMC9-related condition.

Allele frequency attached by ClinVar (database versions not stated): ExAC 0.00164; ESP Exome Variant Server 0.00423; gnomAD 0.00531 and 0.00561; TOPMed 0.00581; 1000 Genomes Project 0.00619; 1000 Genomes Project 30x 0.00734.
gnomAD v4.1: 1,596 of 1,614,092 alleles (0.099%); highest among the groups gnomAD compares: African/African-American, 1.8%; 17 homozygotes.

Submissions (4):

Labcorp Genetics (formerly Invitae), Labcorp
Classification: Benign. Last evaluated: 2026-01-24. Review status: criteria provided, single submitter. Criteria: Invitae Variant Classification Sherloc (09022015). Collection method: clinical testing. Allele origin: germline.

Blueprint Genetics
Classification: Likely benign. Last evaluated: 2024-10-21. Review status: criteria provided, single submitter. Criteria: ACMG Guidelines, 2015. Collection method: clinical testing. Allele origin: germline.

Breakthrough Genomics
Classification: Benign. Review status: criteria provided, single submitter. Criteria: ACMG Guidelines, 2015. Collection method: not provided. Allele origin: germline. Inheritance: Autosomal recessive inheritance. Affected: yes.

PreventionGenetics, part of Exact Sciences
Classification: Benign for ARMC9-related condition. Last evaluated: 2019-10-28. Review status: no assertion criteria provided. Collection method: clinical testing. Allele origin: germline. Not counted in ClinVar's aggregate classification.
Comment: This variant is classified as benign based on ACMG/AMP sequence variant interpretation guidelines (Richards et al. 2015 PMID: 25741868, with internal and published modifications).